The following is an entry in ClinVar:

NM_000038.6(APC):c.4701del (p.Asp1568fs)

Gene: APC (APC regulator of Wnt signaling pathway; plus strand). Cytogenetic location: 5q22.2.
Variant type: Deletion.
Coding change: c.4701del on transcript NM_000038.6 (MANE Select); coding-DNA position 4701, one base deleted (A; older notation c.4701delA).
Protein change: p.Asp1568fs; shifts the reading frame from aspartic acid 1568.
Molecular consequence: frameshift variant.
Genome position (GRCh38, 1-based): chr5:112,840,295, A deleted. VCF-style (leftmost placement, unchanged base first): chr5-112840294-CA-C. GRCh37 (hg19) VCF-style: chr5-112175991-CA-C.
Other names: c.4701del, p.Asp1568fs (NM_001127510.3, NM_001354895.2); c.4647del, p.Asp1550fs (NM_001127511.3); c.4755del, p.Asp1586fs (NM_001354896.2); c.4731del, p.Asp1578fs (NM_001354897.2); c.4626del, p.Asp1543fs (NM_001354898.2); c.4617del, p.Asp1540fs (NM_001354899.2); c.4578del, p.Asp1527fs (NM_001354900.2); c.4524del, p.Asp1509fs (NM_001354901.2); and 5 more; short protein forms D1509fs, D1527fs, D1477fs, D1540fs, D1578fs, D1586fs, D1408fs, D1442fs.
Identifiers: ClinVar variation 236605 (VCV000236605.10), dbSNP rs878853449, ClinGen allele CA10582317.

ClinVar aggregate classification (germline): Pathogenic (1 of 4 stars; one submission).

Conditions:
Familial adenomatous polyposis 1 (FAP1). Also called: FAMILIAL ADENOMATOUS POLYPOSIS 1, ATTENUATED; POLYPOSIS, ADENOMATOUS INTESTINAL. Identifiers: MedGen C2713442, MONDO:0021056, OMIM 175100. Disease mechanism: loss of function.

Submission:

Labcorp Genetics (formerly Invitae), Labcorp
Classification: Pathogenic for Familial adenomatous polyposis 1. Last evaluated: 2017-03-21. Review status: criteria provided, single submitter. Criteria: Invitae Variant Classification Sherloc (09022015). Collection method: clinical testing. Allele origin: germline.
Comment: While this particular variant has not been reported in the literature, loss-of-function variants in APC are known to be pathogenic (PMID: 20685668, 17963004). For these reasons, this variant has been classified as Pathogenic. This sequence change deletes 1 nucleotide from exon 16 of the APC mRNA (c.4701delA), causing a frameshift at codon 1568. This creates a premature translational stop signal in the last exon of the APC mRNA (p.Asp1568Metfs*8). While this is not anticipated to result in nonsense mediated decay, it is expected to eliminate over 1200 amino acid residues (~45%) from the full length protein.

Literature cited by the submitters: PubMed 20685668; PubMed 17963004.